The following is an entry in ClinVar:

NM_025000.4(DCAF17):c.1318G>A (p.Ala440Thr)

Gene: DCAF17 (DDB1 and CUL4 associated factor 17; plus strand). Cytogenetic location: 2q31.1.
Variant type: single nucleotide variant.
Coding change: c.1318G>A on transcript NM_025000.4 (MANE Select); coding-DNA position 1318, G replaced by A.
Protein change: p.Ala440Thr; replaces alanine 440 with threonine.
Molecular consequence: missense variant. On other transcripts: non-coding transcript variant (1).
Genome position (GRCh38, 1-based): chr2:171,480,089, G>A. VCF-style: chr2-171480089-G-A. GRCh37 (hg19) VCF-style: chr2-172336599-G-A.
Other names: c.1117G>A, p.Ala373Thr (NM_001164821.2); c.1318G>A (NM_025000.3); short protein forms A373T, A440T.
Identifiers: ClinVar variation 1418850 (VCV001418850.4), dbSNP rs1043517003, ClinGen allele CA349279497.

ClinVar aggregate classification (germline): Uncertain significance. Review status: criteria provided, multiple submitters, no conflicts (2 of 4 stars). 2 submissions from 2 submitters: Uncertain significance (2). Last evaluated 2025-08-09.

Conditions:
Inborn genetic diseases. Identifiers: MedGen C0950123, MeSH D030342.
Woodhouse-Sakati syndrome. Also called: EXTRAPYRAMIDAL DISORDER, PROGRESSIVE, WITH PRIMARY HYPOGONADISM, MENTAL RETARDATION, AND ALOPECIA; Hypogonadism, Alopecia, Diabetes Mellitus, Mental Retardation, and Extrapyramidal Syndrome; Hypogonadism, diabetes mellitus, alopecia, mental retardation and electrocardiographic abnormalities. Identifiers: Orphanet 3464, MedGen C0342286, MONDO:0009419, OMIM 241080.

gnomAD v4.1: 6 of 1,613,670 alleles (0.00037%); highest among the groups gnomAD compares: African/African-American, 0.0027%; no homozygotes.

Submissions (2):

Ambry Genetics
Classification: Uncertain significance for Inborn genetic diseases. Last evaluated: 2025-08-09. Review status: criteria provided, single submitter. Criteria: Ambry Variant Classification Scheme 2023. Collection method: clinical testing. Allele origin: germline.

Labcorp Genetics (formerly Invitae), Labcorp
Classification: Uncertain significance for Woodhouse-Sakati syndrome. Last evaluated: 2022-08-15. Review status: criteria provided, single submitter. Criteria: Invitae Variant Classification Sherloc (09022015). Collection method: clinical testing. Allele origin: germline.
Comment: This sequence change replaces alanine, which is neutral and non-polar, with threonine, which is neutral and polar, at codon 440 of the DCAF17 protein (p.Ala440Thr). This variant is not present in population databases (gnomAD no frequency). This variant has not been reported in the literature in individuals affected with DCAF17-related conditions. ClinVar contains an entry for this variant (Variation ID: 1418850). Algorithms developed to predict the effect of missense changes on protein structure and function are either unavailable or do not agree on the potential impact of this missense change (SIFT: "Tolerated"; PolyPhen-2: "Probably Damaging"; Align-GVGD: "Class C0"). Algorithms developed to predict the effect of sequence changes on RNA splicing suggest that this variant may create or strengthen a splice site. In summary, the available evidence is currently insufficient to determine the role of this variant in disease. Therefore, it has been classified as a Variant of Uncertain Significance.